The following is an entry in ClinVar:

NM_001267550.2(TTN):c.3729+3G>A

Gene: TTN (titin; minus strand). Cytogenetic location: 2q31.2.
Variant type: single nucleotide variant.
Coding change: c.3729+3G>A on transcript NM_001267550.2 (MANE Select); 3 bases into the intron after coding-DNA position 3729, G replaced by A.
Molecular consequence: intron variant.
Genome position (GRCh38, 1-based): chr2:178,779,997, C>T on the plus strand (G>A on the coding strand, the complement: TTN is on the minus strand). VCF-style: chr2-178779997-C-T. GRCh37 (hg19) VCF-style: chr2-179644724-C-T.
Other names: c.3591+3G>A (NM_003319.4, NM_133437.4, NM_133432.3); c.3729+3G>A (NM_133378.4, NM_001256850.1, NM_133379.5).
Identifiers: ClinVar variation 2933061 (VCV002933061.3), dbSNP rs1467584761, ClinGen allele CA761320203.

ClinVar aggregate classification (germline): Uncertain significance (1 of 4 stars; one submission).

Conditions:
Autosomal recessive limb-girdle muscular dystrophy type 2J (LGMDR10). Also called: Limb-girdle muscular dystrophy, type 2J; MUSCULAR DYSTROPHY, LIMB-GIRDLE, AUTOSOMAL RECESSIVE 10. Identifiers: Orphanet 140922, MedGen C1837342, MONDO:0012127, OMIM 608807.
Dilated cardiomyopathy 1G (CMD1G). Identifiers: Orphanet 154, MedGen C1858763, MONDO:0011400, OMIM 604145.

Allele frequency attached by ClinVar (database versions not stated): TOPMed below 0.00001.

Submission:

Labcorp Genetics (formerly Invitae), Labcorp
Classification: Uncertain significance for Dilated cardiomyopathy 1G; Autosomal recessive limb-girdle muscular dystrophy type 2J. Last evaluated: 2025-01-14. Review status: criteria provided, single submitter. Criteria: Invitae Variant Classification Sherloc (09022015). Collection method: clinical testing. Allele origin: germline.
Comment: This sequence change falls in intron 22 of the TTN gene. It does not directly change the encoded amino acid sequence of the TTN protein. It affects a nucleotide within the consensus splice site. This variant is not present in population databases (gnomAD no frequency). This variant has not been reported in the literature in individuals affected with TTN-related conditions. ClinVar contains an entry for this variant (Variation ID: 2933061). Variants that disrupt the consensus splice site are a relatively common cause of aberrant splicing (PMID: 17576681, 9536098). Algorithms developed to predict the effect of sequence changes on RNA splicing suggest that this variant is not likely to affect RNA splicing. This variant is located in the Z band of TTN (PMID: 25589632). Variants in this region may be clinically relevant, but have not been definitively shown to cause cardiomyopathy or neuromuscular disease (PMID: 27493940, 32778822). In summary, the available evidence is currently insufficient to determine the role of this variant in disease. Therefore, it has been classified as a Variant of Uncertain Significance.

Literature cited by the submitters: PubMed 17576681; PubMed 9536098; PubMed 25589632; PubMed 27493940; PubMed 32778822.